The following is an entry in ClinVar:

ClinVar aggregate classification (germline): Conflicting classifications of pathogenicity. Review status: criteria provided, conflicting classifications (1 of 4 stars). 8 submissions from 8 submitters: Uncertain significance (3); Benign (2); Likely benign (2). 1 of the submissions does not count toward it. Last evaluated 2026-08-06.

Conditions:
TSC2-related disorder. Also called: TSC2-related condition; TSC2-Related Disorders.
Hereditary cancer-predisposing syndrome. Also called: Tumor predisposition; Hereditary neoplastic syndrome; Neoplastic Syndromes, Hereditary; Hereditary Cancer Syndrome. Identifiers: Orphanet 140162, MedGen C0027672, MeSH D009386, MONDO:0015356.
Tuberous sclerosis syndrome (TSC). Also called: Tuberous Sclerosis Complex; Tuberous sclerosis. Identifiers: Orphanet 805, MedGen C0041341, MONDO:0001734.
Tuberous sclerosis 2 (TSC2). Identifiers: Orphanet 805, MedGen C1860707, MONDO:0013199, OMIM 613254.

Allele frequency attached by ClinVar (database versions not stated): gnomAD exomes 0.00001; ExAC 0.00002; TOPMed 0.00002.
gnomAD v4.1: 24 of 1,612,806 alleles (0.0015%); highest among the groups gnomAD compares: East Asian, 0.0022%; no homozygotes.

Submissions (8):

NHS Central & South Genomic Laboratory Hub
Classification: Uncertain significance for Tuberous sclerosis. Last evaluated: 2026-08-06. Review status: criteria provided, single submitter. Criteria: ACMG Guidelines, 2015. Collection method: clinical testing. Allele origin: germline. Affected: yes.

Labcorp Genetics (formerly Invitae), Labcorp
Classification: Benign for Tuberous sclerosis 2. Last evaluated: 2026-01-13. Review status: criteria provided, single submitter. Criteria: Invitae Variant Classification Sherloc (09022015). Collection method: clinical testing. Allele origin: germline.

Color Diagnostics, LLC DBA Color Health
Classification: Uncertain significance for Tuberous sclerosis syndrome. Last evaluated: 2025-06-13. Review status: criteria provided, single submitter. Criteria: ACMG Guidelines, 2015. Collection method: clinical testing. Allele origin: germline.
Comment: This missense variant replaces asparagine with serine at codon 1707 of the TSC2 protein. Computational prediction is inconclusive regarding the impact of this variant on protein structure and function. To our knowledge, functional studies have not been reported for this variant. This variant has not been reported in individuals affected with TSC2-related disorders in the literature. This variant has been identified in 3/250450 chromosomes in the general population by the Genome Aggregation Database (gnomAD). The available evidence is insufficient to determine the role of this variant in disease conclusively. Therefore, this variant is classified as a Variant of Uncertain Significance.

All of Us Research Program, National Institutes of Health
Classification: Uncertain significance for Tuberous sclerosis syndrome. Last evaluated: 2023-10-02. Review status: criteria provided, single submitter. Criteria: ACMG Guidelines, 2015. Collection method: clinical testing. Allele origin: germline. Inheritance: Autosomal dominant inheritance. Observed: 5 variant alleles, 5 heterozygotes.
Comment: This missense variant replaces asparagine with serine at codon 1707 of the TSC2 protein. Computational prediction is inconclusive regarding the impact of this variant on protein structure and function (internally defined REVEL score threshold 0.5 < inconclusive < 0.7, PMID: 27666373). To our knowledge, functional studies have not been reported for this variant. This variant has not been reported in individuals affected with TSC2-related disorders in the literature. This variant has been identified in 3/250450 chromosomes in the general population by the Genome Aggregation Database (gnomAD). The available evidence is insufficient to determine the role of this variant in disease conclusively. Therefore, this variant is classified as a Variant of Uncertain Significance.

This study involves interpretation of variants in research participants for the purpose of population health screening. Participant phenotype was not available at the time of variant classification. Additional details can be found in publication PMID: 35346344, PMCID: PMC8962531

Genome-Nilou Lab
Classification: Benign for Tuberous sclerosis 2. Last evaluated: 2021-11-07. Review status: criteria provided, single submitter. Criteria: ACMG Guidelines, 2015. Collection method: clinical testing. Allele origin: germline. Affected: no.

Ambry Genetics
Classification: Likely benign for Hereditary cancer-predisposing syndrome. Last evaluated: 2021-08-04. Review status: criteria provided, single submitter. Criteria: Ambry Variant Classification Scheme 2023. Collection method: clinical testing. Allele origin: germline.

GeneDx
Classification: Likely benign. Last evaluated: 2020-06-01. Review status: criteria provided, single submitter. Criteria: GeneDx Variant Classification Process June 2021. Collection method: clinical testing. Allele origin: germline. Affected: yes.

PreventionGenetics, part of Exact Sciences
Classification: Likely benign for TSC2-related condition. Last evaluated: 2022-12-24. Review status: no assertion criteria provided. Collection method: clinical testing. Allele origin: germline. Not counted in ClinVar's aggregate classification.
Comment: This variant is classified as likely benign based on ACMG/AMP sequence variant interpretation guidelines (Richards et al. 2015 PMID: 25741868, with internal and published modifications).

Literature cited by the submitters: PubMed 32502382 (cited by Ambry Genetics).

NM_000548.5(TSC2):c.5120A>G (p.Asn1707Ser)

Gene: TSC2 (TSC complex subunit 2; plus strand). Cytogenetic location: 16p13.3.
Variant type: single nucleotide variant.
Coding change: c.5120A>G on transcript NM_000548.5 (MANE Select); coding-DNA position 5120, A replaced by G.
Protein change: p.Asn1707Ser; replaces asparagine 1707 with serine.
Molecular consequence: missense variant.
Genome position (GRCh38, 1-based): chr16:2,088,099, A>G. VCF-style: chr16-2088099-A-G. GRCh37 (hg19) VCF-style: chr16-2138100-A-G.
Other names: p.N1707S:AAC>AGC; c.5120A>G (NM_000548.4); c.4919A>G, p.Asn1640Ser (NM_001077183.3); c.5051A>G, p.Asn1684Ser (NM_001114382.3); c.4811A>G, p.Asn1604Ser (NM_001318827.2); c.4775A>G, p.Asn1592Ser (NM_001318829.2); c.4388A>G, p.Asn1463Ser (NM_001318831.2); c.4952A>G, p.Asn1651Ser (NM_001318832.2); and 3 more; short protein forms N1707S, N1663S, N1664S, N1684S, N1463S, N1604S, N1641S, N1640S.
Identifiers: ClinVar variation 207693 (VCV000207693.23), dbSNP rs772439098, ClinGen allele CA054000.